The following is an entry in ClinVar:

ClinVar aggregate classification (germline): Uncertain significance (1 of 4 stars; one submission).

gnomAD v4.1: 2 of 1,614,054 alleles (0.00012%); highest among the groups gnomAD compares: East Asian, 0.0045%; no homozygotes.

Submission:

Genetic Services Laboratory, University of Chicago
Classification: Uncertain significance. Last evaluated: 2023-03-07. Review status: criteria provided, single submitter. Criteria: ACMG Guidelines, 2015. Collection method: clinical testing. Allele origin: germline. Affected: no.
Comment: DNA sequence analysis of the SAMD9L gene demonstrated a sequence change, c.718G>C, in exon 5 that results in an amino acid change, p.Gly240Arg. This sequence change does not appear to have been previously described in individuals with SAMD9L-related disorders and has also not been described in population databases such as ExAC and gnomAD. The p.Gly240Arg change affects a highly conserved amino acid residue located in a domain of the SAMD9L protein that is not known to be functional. The p.Gly240Arg substitution appears to be deleterious using several in-silico pathogenicity prediction tools (SIFT, PolyPhen2, Align GVGD, REVEL). Due to insufficient evidences and the lack of functional studies, the clinical significance of the p.Gly240Arg change remains unknown at this time.

NM_152703.5(SAMD9L):c.718G>C (p.Gly240Arg)

Gene: SAMD9L (sterile alpha motif domain containing 9 like; minus strand). Cytogenetic location: 7q21.2.
Variant type: single nucleotide variant.
Coding change: c.718G>C on transcript NM_152703.5 (MANE Select); coding-DNA position 718, G replaced by C.
Protein change: p.Gly240Arg; replaces glycine 240 with arginine.
Molecular consequence: missense variant.
Genome position (GRCh38, 1-based): chr7:93,135,254, C>G on the plus strand (G>C on the coding strand, the complement: SAMD9L is on the minus strand). VCF-style: chr7-93135254-C-G. GRCh37 (hg19) VCF-style: chr7-92764567-C-G.
Other names: c.718G>C, p.Gly240Arg (NM_001303496.3, NM_001303497.3, NM_001303498.3 and 5 more transcripts); short protein forms G240R.
Identifiers: ClinVar variation 4082511 (VCV004082511.2).